The following is an entry in ClinVar:

NM_001267550.2(TTN):c.104592G>A (p.Pro34864=)

Genes: TTN (titin; minus strand), TTN-AS1 (TTN antisense RNA 1; plus strand). Cytogenetic location: 2q31.2.
Variant type: single nucleotide variant.
Coding change: c.104592G>A on transcript NM_001267550.2 (MANE Select); coding-DNA position 104592, G replaced by A.
Protein change: p.Pro34864=; no amino-acid change (proline 34864 retained).
Molecular consequence: synonymous variant.
Genome position (GRCh38, 1-based): chr2:178,532,023, C>T on the plus strand (G>A on the coding strand, the complement: TTN is on the minus strand). VCF-style: chr2-178532023-C-T. GRCh37 (hg19) VCF-style: chr2-179396750-C-T.
Other names: p.P33223P:CCG>CCA; c.99669G>A, p.Pro33223= (NM_001256850.1); c.77397G>A, p.Pro25799= (NM_003319.4); c.96888G>A, p.Pro32296= (NM_133378.4); c.77772G>A, p.Pro25924= (NM_133432.3); c.77973G>A, p.Pro25991= (NM_133437.4).
Identifiers: ClinVar variation 178154 (VCV000178154.32), dbSNP rs144094650, ClinGen allele CA295722.

ClinVar aggregate classification (germline): Benign/Likely benign. Review status: criteria provided, multiple submitters, no conflicts (2 of 4 stars). 14 submissions from 11 submitters: Benign (6); Likely benign (7). 1 of the submissions does not count toward it. Last evaluated 2026-01-27.

Conditions:
TTN-related disorder. Also called: TTN-related disorders; TTN-related condition; TTN-related disease.
Cardiovascular phenotype. Identifiers: MedGen CN230736.
Dilated cardiomyopathy 1G (CMD1G). Identifiers: Orphanet 154, MedGen C1858763, MONDO:0011400, OMIM 604145.
Autosomal recessive limb-girdle muscular dystrophy type 2J (LGMDR10). Also called: MUSCULAR DYSTROPHY, LIMB-GIRDLE, AUTOSOMAL RECESSIVE 10; Limb-girdle muscular dystrophy, type 2J. Identifiers: Orphanet 140922, MedGen C1837342, MONDO:0012127, OMIM 608807.
Early-onset myopathy with fatal cardiomyopathy (CMYO5). Also called: CONGENITAL MYOPATHY 5 WITH CARDIOMYOPATHY; Salih Myopathy. Identifiers: Orphanet 289377, MedGen C2673677, MONDO:0012714, OMIM 611705. Disease mechanism: loss of function.
Myopathy, myofibrillar, 9, with early respiratory failure (MFM9). Also called: Hereditary myopathy with early respiratory failure; EDSTROM MYOPATHY; Myopathy, distal, with early respiratory failure, autosomal dominant; MYOPATHY, PROXIMAL, WITH EARLY RESPIRATORY MUSCLE INVOLVEMENT. Identifiers: Orphanet 178464, Orphanet 34521, MedGen C1863599, MONDO:0011362, OMIM 603689.
Tibial muscular dystrophy (TMD). Also called: Udd Distal Myopathy – Tibial Muscular Dystrophy; Tibial muscular dystrophy, tardive; UDD MYOPATHY. Identifiers: Orphanet 609, MedGen C1838244, MONDO:0010870, OMIM 600334.

Allele frequency attached by ClinVar (database versions not stated): TOPMed 0.00060; 1000 Genomes Project 0.00120; 1000 Genomes Project 30x 0.00141; gnomAD 0.00045; ESP Exome Variant Server 0.00048.

Submissions (14):

Labcorp Genetics (formerly Invitae), Labcorp
Classification: Benign for Dilated cardiomyopathy 1G; Autosomal recessive limb-girdle muscular dystrophy type 2J. Last evaluated: 2026-01-27. Review status: criteria provided, single submitter. Criteria: Invitae Variant Classification Sherloc (09022015). Collection method: clinical testing. Allele origin: germline.

Molecular Diagnostic Laboratory for Inherited Cardiovascular Disease, Montreal Heart Institute
Classification: Likely benign. Last evaluated: 2025-04-09. Review status: criteria provided, single submitter. Criteria: ACMG Guidelines, 2015. Collection method: clinical testing. Allele origin: germline. Affected: no.

Revvity Omics, Revvity
Classification: Likely benign. Last evaluated: 2024-12-24. Review status: criteria provided, single submitter. Criteria: ACMG Guidelines, 2015. Collection method: clinical testing. Allele origin: germline.

Blueprint Genetics
Classification: Likely benign. Last evaluated: 2024-07-15. Review status: criteria provided, single submitter. Criteria: ACMG Guidelines, 2015. Collection method: clinical testing. Allele origin: germline.

Genome-Nilou Lab
Classification: Benign for Autosomal recessive limb-girdle muscular dystrophy type 2J. Last evaluated: 2021-09-10. Review status: criteria provided, single submitter. Criteria: ACMG Guidelines, 2015. Collection method: clinical testing. Allele origin: germline. Affected: no.

Genome-Nilou Lab
Classification: Benign for Myopathy, myofibrillar, 9, with early respiratory failure. Last evaluated: 2021-09-10. Review status: criteria provided, single submitter. Criteria: ACMG Guidelines, 2015. Collection method: clinical testing. Allele origin: germline. Affected: no.

Genome-Nilou Lab
Classification: Benign for Early-onset myopathy with fatal cardiomyopathy. Last evaluated: 2021-09-10. Review status: criteria provided, single submitter. Criteria: ACMG Guidelines, 2015. Collection method: clinical testing. Allele origin: germline. Affected: no.

Genome-Nilou Lab
Classification: Benign for Tibial muscular dystrophy. Last evaluated: 2021-09-10. Review status: criteria provided, single submitter. Criteria: ACMG Guidelines, 2015. Collection method: clinical testing. Allele origin: germline. Affected: no.

Women's Health and Genetics/Laboratory Corporation of America, LabCorp
Classification: Likely benign. Last evaluated: 2021-03-25. Review status: criteria provided, single submitter. Criteria: LabCorp Variant Classification Summary - May 2015. Collection method: clinical testing. Allele origin: germline.

Ambry Genetics
Classification: Likely benign for Cardiovascular phenotype. Last evaluated: 2019-08-01. Review status: criteria provided, single submitter. Criteria: Ambry Variant Classification Scheme 2023. Collection method: clinical testing. Allele origin: germline.

Eurofins Ntd Llc (ga)
Classification: Likely benign. Last evaluated: 2018-07-30. Review status: criteria provided, single submitter. Criteria: EGL ClinVar v180209 classification definitions. Collection method: clinical testing. Allele origin: germline. Observed: 2 variant alleles, 2 heterozygotes.

GeneDx
Classification: Benign. Last evaluated: 2014-09-04. Review status: criteria provided, single submitter. Criteria: GeneDx Variant Classification (06012015). Collection method: clinical testing. Allele origin: germline. Affected: yes.
Comment: This variant is considered likely benign or benign based on one or more of the following criteria: it is a conservative change, it occurs at a poorly conserved position in the protein, it is predicted to be benign by multiple in silico algorithms, and/or has population frequency not consistent with disease.

Laboratory for Molecular Medicine, Mass General Brigham Personalized Medicine
Classification: Likely benign. Last evaluated: 2012-03-19. Review status: criteria provided, single submitter. Criteria: LMM Criteria. Collection method: clinical testing. Allele origin: germline. Observed: 1 variant allele.
Comment: Pro32296Pro in exon 307 of TTN: This variant is not expected to have clinical si gnificance because it does not alter an amino acid residue and is not located wi thin the splice consensus sequence. It has been identified in 0.1% (5/3440) of A frican American chromosomes from a broad population by the NHLBI Exome Sequencin g Project (dbSNP rs144094650). Pro32296Pro in exon 307 of TTN (rs144094650; allele frequency = 0.1%, 5/3440) **

PreventionGenetics, part of Exact Sciences
Classification: Likely benign for TTN-related condition. Last evaluated: 2019-09-18. Review status: no assertion criteria provided. Collection method: clinical testing. Allele origin: germline. Not counted in ClinVar's aggregate classification.
Comment: This variant is classified as likely benign based on ACMG/AMP sequence variant interpretation guidelines (Richards et al. 2015 PMID: 25741868, with internal and published modifications).